The following is an entry in ClinVar:

ClinVar aggregate classification (germline): Uncertain significance (1 of 4 stars; one submission).

Allele frequency attached by ClinVar (database versions not stated): gnomAD 0.00001; gnomAD exomes 0.00001.
gnomAD v4.1: 11 of 1,613,946 alleles (0.00068%); highest among the groups gnomAD compares: African/African-American, 0.0013%; no homozygotes.

Submission:

GeneDx
Classification: Uncertain significance. Last evaluated: 2019-06-14. Review status: criteria provided, single submitter. Criteria: GeneDx Variant Classification Process June 2021. Collection method: clinical testing. Allele origin: germline. Affected: yes.
Comment: Not observed in large population cohorts (Lek et al., 2016); In silico analysis, which includes protein predictors and evolutionary conservation, supports a deleterious effect; Has not been previously published as pathogenic or benign to our knowledge

NM_000426.4(LAMA2):c.3547C>T (p.Arg1183Trp)

Gene: LAMA2 (laminin subunit alpha 2; plus strand). Cytogenetic location: 6q22.33.
Variant type: single nucleotide variant.
Coding change: c.3547C>T on transcript NM_000426.4 (MANE Select); coding-DNA position 3547, C replaced by T.
Protein change: p.Arg1183Trp; replaces arginine 1183 with tryptophan.
Molecular consequence: missense variant.
Genome position (GRCh38, 1-based): chr6:129,314,790, C>T. VCF-style: chr6-129314790-C-T. GRCh37 (hg19) VCF-style: chr6-129635935-C-T.
Other names: c.3547C>T, p.Arg1183Trp (NM_001079823.2); short protein forms R1183W.
Identifiers: ClinVar variation 1306560 (VCV001306560.2), dbSNP rs867302949, ClinGen allele CA146913454.